The following is an entry in ClinVar:

NM_152443.3(RDH12):c.617C>T (p.Ala206Val)

Genes: GPHN (gephyrin; plus strand), RDH12 (retinol dehydrogenase 12; plus strand). Cytogenetic location: 14q24.1.
Variant type: single nucleotide variant.
Coding change: c.617C>T on transcript NM_152443.3 (MANE Select); coding-DNA position 617, C replaced by T.
Protein change: p.Ala206Val; replaces alanine 206 with valine.
Molecular consequence: missense variant.
Genome position (GRCh38, 1-based): chr14:67,727,149, C>T. VCF-style: chr14-67727149-C-T. GRCh37 (hg19) VCF-style: chr14-68193866-C-T.
Other names: short protein forms A206V.
Identifiers: ClinVar variation 2678302 (VCV002678302.7), dbSNP rs1254096311, ClinGen allele CA390151518.
Genomic context (GRCh38, chr14:67,727,149, plus strand): 5'-ACGACCTCCAGAGCGAGAAGCGCTACAGCAGGGGTTTTGCCTATTGCCACAGCAAGCTGG[C>T]CAATGTGCTTTTTACTCGTGAGCTGGCCAAGAGGCTCCAAGGTAAGTCTGGAGAAAGAGG-3'
Protein context (NP_689656.2, residues 196-216): RGFAYCHSKL[Ala206Val]NVLFTRELAK

ClinVar aggregate classification (germline): Pathogenic/Likely pathogenic. Review status: criteria provided, multiple submitters, no conflicts (2 of 4 stars). 2 submissions from 2 submitters: Pathogenic (1); Likely pathogenic (1). Last evaluated 2025-04-14.

Conditions:
Leber congenital amaurosis (LCA). Also called: Leber's amaurosis. Identifiers: Orphanet 65, MedGen C0339527, MeSH D057130, MONDO:0018998.
Leber congenital amaurosis 13 (LCA13). Identifiers: MedGen C2675186, MONDO:0012990, OMIM 612712.

Allele frequency attached by ClinVar (database versions not stated): gnomAD exomes below 0.00001.
gnomAD v4.1: 2 of 1,614,048 alleles (0.00012%); highest among the groups gnomAD compares: Admixed American, 0.0017%; no homozygotes.

Submissions (2):

Women's Health and Genetics/Laboratory Corporation of America, LabCorp
Classification: Likely pathogenic for Leber congenital amaurosis. Last evaluated: 2025-04-14. Review status: criteria provided, single submitter. Criteria: LabCorp Variant Classification Summary - May 2015. Collection method: clinical testing. Allele origin: germline.
Comment: Variant summary: RDH12 c.617C>T (p.Ala206Val) results in a non-conservative amino acid change in the encoded protein sequence. Five of five in-silico tools predict a damaging effect of the variant on protein function. The variant allele was found at a frequency of 4e-06 in 251076 control chromosomes. c.617C>T has been observed as a biallelic genotype in individuals affected with Retinitis Pigmentosa (Martin-Merida_2019) and in the heterozygous state in at least one individual affected with Retinal Dystrophy where it reportedly segregated within a small family (Thompson_2005), but no details on segregation were provided. These data indicate that the variant is likely to be associated with disease, although its role in autosomal dominant conditions is still unclear. To our knowledge, no experimental evidence demonstrating an impact on protein function has been reported.The following publications have been ascertained in the context of this evaluation (PMID: 30902645, 16269441). ClinVar contains an entry for this variant (Variation ID: 2678302). Based on the evidence outlined above, the variant was classified as likely pathogenic.

Labcorp Genetics (formerly Invitae), Labcorp
Classification: Pathogenic for Leber congenital amaurosis 13. Last evaluated: 2023-10-28. Review status: criteria provided, single submitter. Criteria: Invitae Variant Classification Sherloc (09022015). Collection method: clinical testing. Allele origin: germline.
Comment: This sequence change replaces alanine, which is neutral and non-polar, with valine, which is neutral and non-polar, at codon 206 of the RDH12 protein (p.Ala206Val). This variant is present in population databases (no rsID available, gnomAD 0.003%). This missense change has been observed in individual(s) with autosomal recessive RDH12-related condtions (PMID: 30902645). In at least one individual the data is consistent with being in trans (on the opposite chromosome) from a pathogenic variant. This variant has been reported in individual(s) with autosomal dominant RDH12-related conditions (PMID: 16269441); however, the role of the variant in this condition is currently unclear. Advanced modeling of protein sequence and biophysical properties (such as structural, functional, and spatial information, amino acid conservation, physicochemical variation, residue mobility, and thermodynamic stability) performed at Invitae indicates that this missense variant is expected to disrupt RDH12 protein function with a positive predictive value of 80%. This variant disrupts the p.Ala206 amino acid residue in RDH12. Other variant(s) that disrupt this residue have been determined to be pathogenic (PMID: 16269441). This suggests that this residue is clinically significant, and that variants that disrupt this residue are likely to be disease-causing. For these reasons, this variant has been classified as Pathogenic.

Literature cited by the submitters: PubMed 16269441 (cited by Women's Health and Genetics/Laboratory Corporation of America, LabCorp and Labcorp Genetics (formerly Invitae), Labcorp); PubMed 30902645 (cited by Women's Health and Genetics/Laboratory Corporation of America, LabCorp and Labcorp Genetics (formerly Invitae), Labcorp).